The following is an entry in ClinVar:

NM_153212.3(GJB4):c.369G>A (p.Lys123=)

Gene: GJB4 (gap junction protein beta 4; plus strand). Cytogenetic location: 1p34.3.
Variant type: single nucleotide variant.
Coding change: c.369G>A on transcript NM_153212.3 (MANE Select); coding-DNA position 369, G replaced by A.
Protein change: p.Lys123=; no amino-acid change (lysine 123 retained).
Molecular consequence: synonymous variant.
Genome position (GRCh38, 1-based): chr1:34,761,623, G>A. VCF-style: chr1-34761623-G-A. GRCh37 (hg19) VCF-style: chr1-35227224-G-A.
Identifiers: ClinVar variation 777074 (VCV000777074.13), dbSNP rs142843509, ClinGen allele CA754562.
Genomic context (GRCh38, chr1:34,761,623, plus strand): 5'-CAAGCACCACCTGAAACACGGGCCCAATGCCCCGTCCCTGTACGACAACCTGAGCAAGAA[G>A]CGGGGCGGACTGTGGTGGACGTACTTGCTGAGCCTCATCTTCAAGGCCGCCGTGGATGCT-3'
Protein context (NP_694944.1, residues 113-133): APSLYDNLSK[Lys123=]RGGLWWTYLL

ClinVar aggregate classification (germline): Likely benign. Review status: criteria provided, multiple submitters, no conflicts (2 of 4 stars). 3 submissions from 3 submitters: Likely benign (2). 1 of the submissions does not count toward it. Last evaluated 2025-12-23.

Conditions:
GJB4-related disorder. Also called: GJB4-related condition.

Allele frequency attached by ClinVar (database versions not stated): 1000 Genomes Project 0.00040; 1000 Genomes Project 30x 0.00078; gnomAD exomes 0.00099 and 0.00175; ExAC 0.00100; ESP Exome Variant Server 0.00123; gnomAD 0.00133 and 0.00139; TOPMed 0.00175.
gnomAD v4.1: 2,758 of 1,614,242 alleles (0.17%); highest among the groups gnomAD compares: Non-Finnish European, 0.21%; 9 homozygotes.

Submissions (3):

Labcorp Genetics (formerly Invitae), Labcorp
Classification: Likely benign. Last evaluated: 2025-12-23. Review status: criteria provided, single submitter. Criteria: Invitae Variant Classification Sherloc (09022015). Collection method: clinical testing. Allele origin: germline.

Breakthrough Genomics
Classification: Likely benign. Review status: criteria provided, single submitter. Criteria: ACMG Guidelines, 2015. Collection method: not provided. Allele origin: germline. Inheritance: Autosomal dominant inheritance. Affected: yes.

PreventionGenetics, part of Exact Sciences
Classification: Likely benign for GJB4-related condition. Last evaluated: 2020-01-06. Review status: no assertion criteria provided. Collection method: clinical testing. Allele origin: germline. Not counted in ClinVar's aggregate classification.
Comment: This variant is classified as likely benign based on ACMG/AMP sequence variant interpretation guidelines (Richards et al. 2015 PMID: 25741868, with internal and published modifications).